The following is an entry in ClinVar:

ClinVar aggregate classification (germline): Uncertain significance (1 of 4 stars; one submission).

Submission:

Labcorp Genetics (formerly Invitae), Labcorp
Classification: Uncertain significance. Last evaluated: 2022-04-01. Review status: criteria provided, single submitter. Criteria: Invitae Variant Classification Sherloc (09022015). Collection method: clinical testing. Allele origin: germline.
Comment: This sequence change replaces alanine, which is neutral and non-polar, with aspartic acid, which is acidic and polar, at codon 3 of the RCOR1 protein (p.Ala3Asp). This variant is not present in population databases (gnomAD no frequency). This variant has not been reported in the literature in individuals affected with RCOR1-related conditions. Algorithms developed to predict the effect of missense changes on protein structure and function are either unavailable or do not agree on the potential impact of this missense change (SIFT: "Tolerated"; PolyPhen-2: "Not Available"; Align-GVGD: "Class C0"). In summary, the available evidence is currently insufficient to determine the role of this variant in disease. Therefore, it has been classified as a Variant of Uncertain Significance.

NM_015156.4(RCOR1):c.8C>A (p.Ala3Asp)

Gene: RCOR1 (REST corepressor 1; plus strand). Cytogenetic location: 14q32.31.
Variant type: single nucleotide variant.
Coding change: c.8C>A on transcript NM_015156.4 (MANE Select); coding-DNA position 8, C replaced by A.
Protein change: p.Ala3Asp; replaces alanine 3 with aspartic acid.
Molecular consequence: missense variant.
Genome position (GRCh38, 1-based): chr14:102,592,894, C>A. VCF-style: chr14-102592894-C-A. GRCh37 (hg19) VCF-style: chr14-103059231-C-A.
Other names: short protein forms A3D.
Identifiers: ClinVar variation 1944963 (VCV001944963.5), dbSNP rs1157641076, ClinGen allele CA391156788.
Genomic context (GRCh38, chr14:102,592,894, plus strand): 5'-CTCCTCAGGAGCCGCGGGTCCCCGCCACTTTCGCACGGCCCCGGCCCCCGCCGATGCCGG[C>A]CATGGTGGAGAAGGGCCCCGAGGTCTCAGGGAAGCGGAGAGGGAGGAACAACGCGGCCGC-3'
Protein context (NP_055971.2, residues 1-13): MP[Ala3Asp]MVEKGPEVSG